The following is an entry in ClinVar:

NM_012428.4(NPTN):c.1025C>T (p.Pro342Leu)

Gene: NPTN (neuroplastin; minus strand). Cytogenetic location: 15q24.1.
Variant type: single nucleotide variant.
Coding change: c.1025C>T on transcript NM_012428.4 (MANE Select); coding-DNA position 1025, C replaced by T.
Protein change: p.Pro342Leu; replaces proline 342 with leucine.
Molecular consequence: missense variant.
Genome position (GRCh38, 1-based): chr15:73,570,239, G>A on the plus strand (C>T on the coding strand, the complement: NPTN is on the minus strand). VCF-style: chr15-73570239-G-A. GRCh37 (hg19) VCF-style: chr15-73862580-G-A.
Other names: c.1025C>T, p.Pro342Leu (NM_001161363.2); c.677C>T, p.Pro226Leu (NM_001161364.2, NM_017455.4); short protein forms P226L, P342L.
Identifiers: ClinVar variation 3778806 (VCV003778806.1).
Genomic context (GRCh38, chr15:73,570,239, plus strand): 5'-TTCTCATACACAACAATGATCACCACAAGGATGATAATTTCAGCCAGAATTCCCAAGAAA[G>A]GCCAGAGTGGGGCCAGGTGGCTCCGCACCCTGAGGACAGTGACAACAGAGGCGGAGCCAA-3'
Protein context (NP_036560.1, residues 332-352): RVRSHLAPLW[Pro342Leu]FLGILAEIII

ClinVar aggregate classification (germline): Likely pathogenic (1 of 4 stars; one submission).

Conditions:
NPTN-related neurodevelopmental disorder.

Submission:

Institute of Human Genetics, University of Leipzig Medical Center
Classification: Likely pathogenic for NPTN-related neurodevelopmental disorder. Last evaluated: 2025-04-09. Review status: criteria provided, single submitter. Criteria: ACMG Guidelines, 2015. Collection method: research. Allele origin: de novo. Inheritance: Autosomal dominant inheritance. Affected: yes.
Comment: Criteria applied: PS2_MOD, PS3, PM2_SUP, PP3